The following is an entry in ClinVar:

ClinVar aggregate classification (germline): Likely benign. Review status: criteria provided, multiple submitters, no conflicts (2 of 4 stars). 4 submissions from 4 submitters: Likely benign (3). 1 of the submissions does not count toward it. Last evaluated 2026-03-01.

Conditions:
TMEM240-related disorder. Also called: TMEM240-related condition.

Allele frequency attached by ClinVar (database versions not stated): ExAC 0.00075; TOPMed 0.00089; 1000 Genomes Project 30x 0.00094; gnomAD exomes 0.00100; gnomAD 0.00113 and 0.00115; 1000 Genomes Project 0.00140; ESP Exome Variant Server 0.00197.
gnomAD v4.1: 2,507 of 1,549,852 alleles (0.16%); highest among the groups gnomAD compares: Non-Finnish European, 0.2%; 3 homozygotes.

Submissions (4):

CeGaT Center for Human Genetics Tuebingen
Classification: Likely benign. Last evaluated: 2026-03-01. Review status: criteria provided, single submitter. Criteria: CeGaT Center For Human Genetics Tuebingen Variant Classification Criteria Version 2. Collection method: clinical testing. Allele origin: germline. Affected: yes. Observed: 9 variant alleles.
Comment: TMEM240: BS1

Labcorp Genetics (formerly Invitae), Labcorp
Classification: Likely benign. Last evaluated: 2026-01-09. Review status: criteria provided, single submitter. Criteria: Invitae Variant Classification Sherloc (09022015). Collection method: clinical testing. Allele origin: germline.

Blueprint Genetics
Classification: Likely benign. Last evaluated: 2024-11-22. Review status: criteria provided, single submitter. Criteria: ACMG Guidelines, 2015. Collection method: clinical testing. Allele origin: germline.

PreventionGenetics, part of Exact Sciences
Classification: Likely benign for TMEM240-related condition. Last evaluated: 2019-07-11. Review status: no assertion criteria provided. Collection method: clinical testing. Allele origin: germline. Not counted in ClinVar's aggregate classification.
Comment: This variant is classified as likely benign based on ACMG/AMP sequence variant interpretation guidelines (Richards et al. 2015 PMID: 25741868, with internal and published modifications).

NM_001114748.2(TMEM240):c.325G>A (p.Gly109Ser)

Gene: TMEM240 (transmembrane protein 240; minus strand). Cytogenetic location: 1p36.33.
Variant type: single nucleotide variant.
Coding change: c.325G>A on transcript NM_001114748.2 (MANE Select); coding-DNA position 325, G replaced by A.
Protein change: p.Gly109Ser; replaces glycine 109 with serine.
Molecular consequence: missense variant.
Genome position (GRCh38, 1-based): chr1:1,535,637, C>T on the plus strand (G>A on the coding strand, the complement: TMEM240 is on the minus strand). VCF-style: chr1-1535637-C-T. GRCh37 (hg19) VCF-style: chr1-1471017-C-T.
Other names: short protein forms G109S.
Identifiers: ClinVar variation 718920 (VCV000718920.34), dbSNP rs187039783, ClinGen allele CA526681.